The following is an entry in ClinVar:

ClinVar aggregate classification (germline): Pathogenic (1 of 4 stars; one submission).

Conditions:
Thrombophilia due to protein S deficiency, autosomal recessive (THPH6). Identifiers: Orphanet 743, MedGen C3281092, MONDO:0013791, OMIM 614514. Disease mechanism: loss of function.

Submission:

Labcorp Genetics (formerly Invitae), Labcorp
Classification: Pathogenic for Thrombophilia due to protein S deficiency, autosomal recessive. Last evaluated: 2025-08-03. Review status: criteria provided, single submitter. Criteria: Invitae Variant Classification Sherloc (09022015). Collection method: clinical testing. Allele origin: germline.
Comment: This sequence change creates a premature translational stop signal (p.Glu160*) in the PROS1 gene. It is expected to result in an absent or disrupted protein product. Loss-of-function variants in PROS1 are known to be pathogenic (PMID: 9241758). This variant is not present in population databases (gnomAD no frequency). This premature translational stop signal has been observed in individual(s) with protein S deficiency (PMID: 15978566). This variant is also known as E119X. Algorithms developed to predict the effect of sequence changes on RNA splicing suggest that this variant may disrupt the consensus splice site. For these reasons, this variant has been classified as Pathogenic.

Literature cited by the submitters: PubMed 9241758; PubMed 15978566.

NM_000313.4(PROS1):c.478G>T (p.Glu160Ter)

Gene: PROS1 (protein S; minus strand). Cytogenetic location: 3q11.1.
Variant type: single nucleotide variant.
Coding change: c.478G>T on transcript NM_000313.4 (MANE Select); coding-DNA position 478, G replaced by T.
Protein change: p.Glu160Ter; replaces glutamic acid 160 with a stop codon.
Molecular consequence: nonsense.
Genome position (GRCh38, 1-based): chr3:93,905,907, C>A on the plus strand (G>T on the coding strand, the complement: PROS1 is on the minus strand). VCF-style: chr3-93905907-C-A. GRCh37 (hg19) VCF-style: chr3-93624751-C-A.
Other names: c.574G>T, p.Glu192Ter (NM_001314077.2); short protein forms E192*, E160*.
Identifiers: ClinVar variation 4747323 (VCV004747323.1).
Genomic context (GRCh38, chr3:93,905,907, plus strand): 5'-CAGGTGTATTATCACAAATTTGACTGCAACCTCCATTTATATTTGAGGGATCTTTGCATT[C>A]ATTTATGTCTAAAACAGGAAAAAAATAAATTATTTTTAAAGTAATATAACCTGCAGAGAA-3'